The following is an entry in ClinVar:

NM_005045.4(RELN):c.2453A>G (p.Tyr818Cys)

Gene: RELN (reelin; minus strand). Cytogenetic location: 7q22.1.
Variant type: single nucleotide variant.
Coding change: c.2453A>G on transcript NM_005045.4 (MANE Select); coding-DNA position 2453, A replaced by G.
Protein change: p.Tyr818Cys; replaces tyrosine 818 with cysteine.
Molecular consequence: missense variant.
Genome position (GRCh38, 1-based): chr7:103,635,437, T>C on the plus strand (A>G on the coding strand, the complement: RELN is on the minus strand). VCF-style: chr7-103635437-T-C. GRCh37 (hg19) VCF-style: chr7-103275884-T-C.
Other names: c.2453A>G, p.Tyr818Cys (NM_173054.3); short protein forms Y818C.
Identifiers: ClinVar variation 501653 (VCV000501653.16), dbSNP rs771201055, ClinGen allele CA4422003.

ClinVar aggregate classification (germline): Uncertain significance. Review status: criteria provided, multiple submitters, no conflicts (2 of 4 stars). 3 submissions from 3 submitters: Uncertain significance (3). Last evaluated 2025-11-25.

Conditions:
Norman-Roberts syndrome (LIS2). Also called: Lissencephaly 2 (Norman-Roberts type). Identifiers: Orphanet 89844, MedGen C0796089, MONDO:0009760, OMIM 257320.
Familial temporal lobe epilepsy 7. Identifiers: Orphanet 101046, MedGen C4225327, MONDO:0014639, OMIM 616436.
Inborn genetic diseases. Identifiers: MedGen C0950123, MeSH D030342.

Allele frequency attached by ClinVar (database versions not stated): ExAC 0.00001; gnomAD exomes 0.00001 and 0.00002; gnomAD 0.00003 and 0.00004; TOPMed 0.00005.
gnomAD v4.1: 24 of 1,613,858 alleles (0.0015%); highest among the groups gnomAD compares: Admixed American, 0.0067%; no homozygotes.

Submissions (3):

Labcorp Genetics (formerly Invitae), Labcorp
Classification: Uncertain significance for Familial temporal lobe epilepsy 7; Norman-Roberts syndrome. Last evaluated: 2025-11-25. Review status: criteria provided, single submitter. Criteria: Invitae Variant Classification Sherloc (09022015). Collection method: clinical testing. Allele origin: germline.
Comment: This sequence change replaces tyrosine, which is neutral and polar, with cysteine, which is neutral and slightly polar, at codon 818 of the RELN protein (p.Tyr818Cys). This variant is present in population databases (rs771201055, gnomAD 0.004%). This variant has not been reported in the literature in individuals affected with RELN-related conditions. ClinVar contains an entry for this variant (Variation ID: 501653). Invitae Evidence Modeling of protein sequence and biophysical properties (such as structural, functional, and spatial information, amino acid conservation, physicochemical variation, residue mobility, and thermodynamic stability) indicates that this missense variant is not expected to disrupt RELN protein function with a negative predictive value of 80%. In summary, the available evidence is currently insufficient to determine the role of this variant in disease. Therefore, it has been classified as a Variant of Uncertain Significance.

Ambry Genetics
Classification: Uncertain significance for Inborn genetic diseases. Last evaluated: 2024-11-08. Review status: criteria provided, single submitter. Criteria: Ambry Variant Classification Scheme 2023. Collection method: clinical testing. Allele origin: germline.

Eurofins Ntd Llc (ga)
Classification: Uncertain significance. Last evaluated: 2017-05-10. Review status: criteria provided, single submitter. Criteria: EGL Classification Definitions 2015. Collection method: clinical testing. Allele origin: germline. Observed: 1 variant allele, 1 heterozygote.